The following is an entry in ClinVar:

NM_002693.3(POLG):c.2839A>G (p.Lys947Glu)

Gene: POLG (DNA polymerase gamma, catalytic subunit; minus strand). Cytogenetic location: 15q26.1.
Variant type: single nucleotide variant.
Coding change: c.2839A>G on transcript NM_002693.3 (MANE Select); coding-DNA position 2839, A replaced by G.
Protein change: p.Lys947Glu; replaces lysine 947 with glutamic acid.
Molecular consequence: missense variant.
Genome position (GRCh38, 1-based): chr15:89,320,908, T>C on the plus strand (A>G on the coding strand, the complement: POLG is on the minus strand). VCF-style: chr15-89320908-T-C. GRCh37 (hg19) VCF-style: chr15-89864139-T-C.
Other names: c.2839A>G, p.Lys947Glu (NM_001126131.2); short protein forms K947E.
Identifiers: ClinVar variation 1432899 (VCV001432899.8), dbSNP rs2152060982, ClinGen allele CA393752876.
Genomic context (GRCh38, chr15:89,320,908, plus strand): 5'-TTAGTAAGCGCTCAGCAAAGGGCTGCCCAGCACCATAGATGCGGCCGTAGTTGAAGATTT[T>C]GGCATGCTCACGGCTGATGCCCACAGTAGTGGCTGTCTTACTGTGTAGATCAGTGCCCCT-3'
Protein context (NP_002684.1, residues 937-957): TTVGISREHA[Lys947Glu]IFNYGRIYGA

ClinVar aggregate classification (germline): Uncertain significance (1 of 4 stars; one submission).

Conditions:
Progressive sclerosing poliodystrophy (MTDPS4A). Also called: ALPERS PROGRESSIVE INFANTILE POLIODYSTROPHY; NEURONAL DEGENERATION OF CHILDHOOD WITH LIVER DISEASE, PROGRESSIVE; Alpers Syndrome; ALPERS DIFFUSE DEGENERATION OF CEREBRAL GRAY MATTER WITH HEPATIC CIRRHOSIS; Alpers-Huttenlocher Syndrome; Mitochondrial DNA depletion syndrome 4A (Alpers type). Identifiers: Orphanet 726, MedGen C0205710, MONDO:0008758, OMIM 203700.

Submission:

Labcorp Genetics (formerly Invitae), Labcorp
Classification: Uncertain significance for Progressive sclerosing poliodystrophy. Last evaluated: 2021-06-13. Review status: criteria provided, single submitter. Criteria: Invitae Variant Classification Sherloc (09022015). Collection method: clinical testing. Allele origin: germline.
Comment: This sequence change replaces lysine with glutamic acid at codon 947 of the POLG protein (p.Lys947Glu). The lysine residue is highly conserved and there is a small physicochemical difference between lysine and glutamic acid. This variant is not present in population databases (ExAC no frequency). This variant has not been reported in the literature in individuals with POLG-related conditions. Algorithms developed to predict the effect of missense changes on protein structure and function (SIFT, PolyPhen-2, Align-GVGD) all suggest that this variant is likely to be disruptive, but these predictions have not been confirmed by published functional studies and their clinical significance is uncertain. In summary, the available evidence is currently insufficient to determine the role of this variant in disease. Therefore, it has been classified as a Variant of Uncertain Significance.